The following is an entry in ClinVar:

ClinVar aggregate classification (germline): Uncertain significance. Review status: criteria provided, multiple submitters, no conflicts (2 of 4 stars). 2 submissions from 2 submitters: Uncertain significance (2). Last evaluated 2025-05-26.

Allele frequency attached by ClinVar (database versions not stated): TOPMed 0.00001.

Submissions (2):

Ambry Genetics
Classification: Uncertain significance. Last evaluated: 2025-05-26. Review status: criteria provided, single submitter. Criteria: Ambry Variant Classification Scheme 2023. Collection method: clinical testing. Allele origin: germline.

Labcorp Genetics (formerly Invitae), Labcorp
Classification: Uncertain significance. Last evaluated: 2022-09-07. Review status: criteria provided, single submitter. Criteria: Invitae Variant Classification Sherloc (09022015). Collection method: clinical testing. Allele origin: germline.
Comment: In summary, the available evidence is currently insufficient to determine the role of this variant in disease. Therefore, it has been classified as a Variant of Uncertain Significance. Algorithms developed to predict the effect of missense changes on protein structure and function output the following: SIFT: "Not Available"; PolyPhen-2: "Benign"; Align-GVGD: "Not Available". The proline amino acid residue is found in multiple mammalian species, which suggests that this missense change does not adversely affect protein function. This variant has not been reported in the literature in individuals affected with FBN3-related conditions. This variant is not present in population databases (gnomAD no frequency). This sequence change replaces serine, which is neutral and polar, with proline, which is neutral and non-polar, at codon 786 of the FBN3 protein (p.Ser786Pro).

NM_032447.5(FBN3):c.2356T>C (p.Ser786Pro)

Gene: FBN3 (fibrillin 3; minus strand). Cytogenetic location: 19p13.2.
Variant type: single nucleotide variant.
Coding change: c.2356T>C on transcript NM_032447.5 (MANE Select); coding-DNA position 2356, T replaced by C.
Protein change: p.Ser786Pro; replaces serine 786 with proline.
Molecular consequence: missense variant.
Genome position (GRCh38, 1-based): chr19:8,126,773, A>G on the plus strand (T>C on the coding strand, the complement: FBN3 is on the minus strand). VCF-style: chr19-8126773-A-G. GRCh37 (hg19) VCF-style: chr19-8191657-A-G.
Other names: c.2356T>C (NM_032447.3); c.2356T>C, p.Ser786Pro (NM_001321431.2); short protein forms S786P.
Identifiers: ClinVar variation 1922724 (VCV001922724.6), dbSNP rs1218361250, ClinGen allele CA403698901.